The following is an entry in ClinVar:

ClinVar aggregate classification (germline): Likely benign. Review status: criteria provided, multiple submitters, no conflicts (2 of 4 stars). 3 submissions from 3 submitters: Likely benign (3). Last evaluated 2026-02-14.

Conditions:
Ehlers-Danlos syndrome, classic type, 1 (EDSCL1). Also called: EHLERS-DANLOS SYNDROME, GRAVIS TYPE; EHLERS-DANLOS SYNDROME, SEVERE CLASSIC TYPE; Ehlers-Danlos Syndrome, Classic Type, COL5A1-Related; EDS I; Ehlers-Danlos syndrome, type 1. Identifiers: MedGen C0268335, MONDO:0019567, OMIM 130000.

Allele frequency attached by ClinVar (database versions not stated): TOPMed 0.00001.
gnomAD v4.1: 49 of 1,613,426 alleles (0.003%); highest among the groups gnomAD compares: African/African-American, 0.0053%; 1 homozygote.

Submissions (3):

Women's Health and Genetics/Laboratory Corporation of America, LabCorp
Classification: Likely benign. Last evaluated: 2026-02-14. Review status: criteria provided, single submitter. Criteria: LabCorp Variant Classification Summary - May 2015. Collection method: clinical testing. Allele origin: germline.

Labcorp Genetics (formerly Invitae), Labcorp
Classification: Likely benign for Ehlers-Danlos syndrome, classic type, 1. Last evaluated: 2025-08-31. Review status: criteria provided, single submitter. Criteria: Invitae Variant Classification Sherloc (09022015). Collection method: clinical testing. Allele origin: germline.

GeneDx
Classification: Likely benign. Last evaluated: 2016-06-23. Review status: criteria provided, single submitter. Criteria: GeneDx Variant Classification (06012015). Collection method: clinical testing. Allele origin: germline. Affected: yes.
Comment: This variant is considered likely benign or benign based on one or more of the following criteria: it is a conservative change, it occurs at a poorly conserved position in the protein, it is predicted to be benign by multiple in silico algorithms, and/or has population frequency not consistent with disease.

NM_000093.5(COL5A1):c.1774-16C>T

Gene: COL5A1 (collagen type V alpha 1 chain; plus strand). Cytogenetic location: 9q34.3.
Variant type: single nucleotide variant.
Coding change: c.1774-16C>T on transcript NM_000093.5 (MANE Select); 16 bases into the intron before coding-DNA position 1774, C replaced by T.
Molecular consequence: intron variant.
Genome position (GRCh38, 1-based): chr9:134,754,257, C>T. VCF-style: chr9-134754257-C-T. GRCh37 (hg19) VCF-style: chr9-137646103-C-T.
Other names: c.1774-16C>T (NM_001278074.1).
Identifiers: ClinVar variation 387188 (VCV000387188.10), dbSNP rs755041858, ClinGen allele CA5318970.